The following is an entry in ClinVar:

ClinVar aggregate classification (germline): Benign/Likely benign. Review status: criteria provided, multiple submitters, no conflicts (2 of 4 stars). 4 submissions from 4 submitters: Benign (2); Likely benign (1). 1 of the submissions does not count toward it. Last evaluated 2026-01-16.

Conditions:
MCM5-related disorder. Also called: MCM5-related condition.

Allele frequency attached by ClinVar (database versions not stated): 1000 Genomes Project 0.00200; 1000 Genomes Project 30x 0.00203; gnomAD 0.00433 and 0.00443; ExAC 0.00435; gnomAD exomes 0.00465 and 0.00492; TOPMed 0.00481; ESP Exome Variant Server 0.00484.
gnomAD v4.1: 7,845 of 1,613,968 alleles (0.49%); highest among the groups gnomAD compares: Admixed American, 0.9%; 42 homozygotes.

Submissions (4):

Labcorp Genetics (formerly Invitae), Labcorp
Classification: Benign. Last evaluated: 2026-01-16. Review status: criteria provided, single submitter. Criteria: Invitae Variant Classification Sherloc (09022015). Collection method: clinical testing. Allele origin: germline.

CeGaT Center for Human Genetics Tuebingen
Classification: Likely benign. Last evaluated: 2025-11-01. Review status: criteria provided, single submitter. Criteria: CeGaT Center For Human Genetics Tuebingen Variant Classification Criteria Version 2. Collection method: clinical testing. Allele origin: germline. Affected: yes. Observed: 8 variant alleles.
Comment: MCM5: BS2

Breakthrough Genomics
Classification: Benign. Review status: criteria provided, single submitter. Criteria: ACMG Guidelines, 2015. Collection method: not provided. Allele origin: germline. Inheritance: Autosomal recessive inheritance. Affected: yes.

PreventionGenetics, part of Exact Sciences
Classification: Benign for MCM5-related condition. Last evaluated: 2019-09-18. Review status: no assertion criteria provided. Collection method: clinical testing. Allele origin: germline. Not counted in ClinVar's aggregate classification.
Comment: This variant is classified as benign based on ACMG/AMP sequence variant interpretation guidelines (Richards et al. 2015 PMID: 25741868, with internal and published modifications).

NM_006739.4(MCM5):c.772G>A (p.Val258Ile)

Gene: MCM5 (minichromosome maintenance complex component 5; plus strand). Cytogenetic location: 22q12.3.
Variant type: single nucleotide variant.
Coding change: c.772G>A on transcript NM_006739.4 (MANE Select); coding-DNA position 772, G replaced by A.
Protein change: p.Val258Ile; replaces valine 258 with isoleucine.
Molecular consequence: missense variant.
Genome position (GRCh38, 1-based): chr22:35,410,763, G>A. VCF-style: chr22-35410763-G-A. GRCh37 (hg19) VCF-style: chr22-35806756-G-A.
Other names: short protein forms V258I.
Identifiers: ClinVar variation 784561 (VCV000784561.42), dbSNP rs2230933, ClinGen allele CA10205173.